The following is an entry in ClinVar:

NM_000497.4(CYP11B1):c.*1499C>T

Gene: CYP11B1 (cytochrome P450 family 11 subfamily B member 1; minus strand). Cytogenetic location: 8q24.3.
Variant type: single nucleotide variant.
Coding change: c.*1499C>T on transcript NM_000497.4 (MANE Select); 1499 bases downstream of the stop codon, C replaced by T.
Molecular consequence: 3 prime UTR variant.
Genome position (GRCh38, 1-based): chr8:142,872,874, G>A on the plus strand (C>T on the coding strand, the complement: CYP11B1 is on the minus strand). VCF-style: chr8-142872874-G-A. GRCh37 (hg19) VCF-style: chr8-143954290-G-A.
Other names: c.*1499C>T (NM_001026213.1).
Identifiers: ClinVar variation 362111 (VCV000362111.6), dbSNP rs1134095, ClinGen allele CA10624930.

ClinVar aggregate classification (germline): Benign. Review status: criteria provided, multiple submitters, no conflicts (2 of 4 stars). 3 submissions from 2 submitters: Benign (3). Last evaluated 2018-01-12.

Conditions:
Deficiency of steroid 11-beta-monooxygenase (CYP11B1). Also called: ADRENAL HYPERPLASIA, CONGENITAL, DUE TO STEROID 11-BETA-HYDROXYLASE DEFICIENCY; 11-BETA-HYDROXYLASE DEFICIENCY; ADRENAL HYPERPLASIA IV; P450C11B1 DEFICIENCY; STEROID 11-BETA-HYDROXYLASE DEFICIENCY; Congenital adrenal hyperplasia due to 11-beta-hydroxylase deficiency. Identifiers: Orphanet 90795, MedGen C0268292, MONDO:0008729, OMIM 202010. Disease mechanism: loss of function.
Glucocorticoid-remediable aldosteronism. Also called: Hyperaldosteronism, familial, type I; ACTH-DEPENDENT HYPERALDOSTERONISM SYNDROME; ALDOSTERONISM, SENSITIVE TO DEXAMETHASONE; FH I; GLUCOCORTICOID-SUPPRESSIBLE HYPERALDOSTERONISM. Identifiers: Orphanet 403, MedGen C3838731, MONDO:0007080, OMIM 103900.

Allele frequency attached by ClinVar (database versions not stated): gnomAD exomes 0.58333; gnomAD 0.60702 and 0.61442; TOPMed 0.61291; 1000 Genomes Project 30x 0.69254; 1000 Genomes Project 0.69409.
gnomAD v4.1: 93,373 of 152,014 alleles (61%); highest among the groups gnomAD compares: East Asian, 85%; 28,976 homozygotes.

Submissions (3):

Illumina Laboratory Services, Illumina
Classification: Benign for Glucocorticoid-remediable aldosteronism. Last evaluated: 2018-01-12. Review status: criteria provided, single submitter. Criteria: ICSL Variant Classification Criteria 13 December 2019. Collection method: clinical testing. Allele origin: germline.
Comment: This variant was observed in the ICSL laboratory as part of a predisposition screen in an ostensibly healthy population. It had not been previously curated by ICSL or reported in the Human Gene Mutation Database (HGMD: prior to June 1st, 2018), and was therefore a candidate for classification through an automated scoring system. Utilizing variant allele frequency, disease prevalence and penetrance estimates, and inheritance mode, an automated score was calculated to assess if this variant is too frequent to cause the disease. Based on the score and internal cut-off values, a variant classified as benign is not then subjected to further curation. The score for this variant resulted in a classification of benign for this disease.

Illumina Laboratory Services, Illumina
Classification: Benign for Deficiency of steroid 11-beta-monooxygenase. Last evaluated: 2018-01-12. Review status: criteria provided, single submitter. Criteria: ICSL Variant Classification Criteria 13 December 2019. Collection method: clinical testing. Allele origin: germline.
Comment: the same text as in the submission from Illumina Laboratory Services, Illumina above.

Breakthrough Genomics
Classification: Benign. Review status: criteria provided, single submitter. Criteria: ACMG Guidelines, 2015. Collection method: not provided. Allele origin: germline. Inheritance: Autosomal recessive inheritance. Affected: yes.